The following is an entry in ClinVar:

NM_021008.4(DEAF1):c.1081A>G (p.Ile361Val)

Gene: DEAF1 (DEAF1 transcription factor; minus strand). Cytogenetic location: 11p15.5.
Variant type: single nucleotide variant.
Coding change: c.1081A>G on transcript NM_021008.4 (MANE Select); coding-DNA position 1081, A replaced by G.
Protein change: p.Ile361Val; replaces isoleucine 361 with valine.
Molecular consequence: missense variant.
Genome position (GRCh38, 1-based): chr11:679,733, T>C on the plus strand (A>G on the coding strand, the complement: DEAF1 is on the minus strand). VCF-style: chr11-679733-T-C. GRCh37 (hg19) VCF-style: chr11-679733-T-C.
Other names: c.814A>G, p.Ile272Val (NM_001293634.2); c.355A>G, p.Ile119Val (NM_001367390.1); c.1081A>G (NM_021008.2, NM_021008.3); short protein forms I272V, I119V, I361V.
Identifiers: ClinVar variation 1358400 (VCV001358400.8), dbSNP rs372810648, ClinGen allele CA216903589.
Genomic context (GRCh38, chr11:679,733, plus strand): 5'-ACTGGAGCAGCTCACCTGTGGCCCCTGCGAAGACGTCGCCCTGGGCCGGACTCTCTGATA[T>C]GACAGCAGTGGCCTCTACCGTGGACGCTCGGTCAAAGGTCAGTGCCCCCGAGGTCGTGAT-3'
Protein context (NP_066288.2, residues 351-371): RASTVEATAV[Ile361Val]SESPAQGDVF

ClinVar aggregate classification (germline): Uncertain significance. Review status: criteria provided, multiple submitters, no conflicts (2 of 4 stars). 3 submissions from 3 submitters: Uncertain significance (3). Last evaluated 2025-10-20.

Conditions:
DEAF1-related disorder.
Inborn genetic diseases. Identifiers: MedGen C0950123, MeSH D030342.

Submissions (3):

Labcorp Genetics (formerly Invitae), Labcorp
Classification: Uncertain significance. Last evaluated: 2025-10-20. Review status: criteria provided, single submitter. Criteria: Invitae Variant Classification Sherloc (09022015). Collection method: clinical testing. Allele origin: germline.
Comment: This sequence change replaces isoleucine, which is neutral and non-polar, with valine, which is neutral and non-polar, at codon 361 of the DEAF1 protein (p.Ile361Val). This variant is not present in population databases (gnomAD no frequency). This variant has not been reported in the literature in individuals affected with DEAF1-related conditions. ClinVar contains an entry for this variant (Variation ID: 1358400). Invitae Evidence Modeling of protein sequence and biophysical properties (such as structural, functional, and spatial information, amino acid conservation, physicochemical variation, residue mobility, and thermodynamic stability) has been performed for this missense variant. However, the output from this modeling did not meet the statistical confidence thresholds required to predict the impact of this variant on DEAF1 protein function. In summary, the available evidence is currently insufficient to determine the role of this variant in disease. Therefore, it has been classified as a Variant of Uncertain Significance.

Ambry Genetics
Classification: Uncertain significance for Inborn genetic diseases. Last evaluated: 2025-08-14. Review status: criteria provided, single submitter. Criteria: Ambry Variant Classification Scheme 2023. Collection method: clinical testing. Allele origin: germline.

PreventionGenetics, part of Exact Sciences
Classification: Uncertain significance for DEAF1-related condition. Last evaluated: 2025-01-19. Review status: criteria provided, single submitter. Criteria: ACMG Guidelines, 2015. Collection method: clinical testing. Allele origin: germline.
Comment: The DEAF1 c.1081A>G variant is predicted to result in the amino acid substitution p.Ile361Val. To our knowledge, this variant has not been reported in the literature or in a large population database (gnomAD), indicating this variant is rare. At this time, the clinical significance of this variant is uncertain due to the absence of conclusive functional and genetic evidence.